The following is an entry in ClinVar:

ClinVar aggregate classification (germline): Uncertain significance. Review status: criteria provided, multiple submitters, no conflicts (2 of 4 stars). 2 submissions from 2 submitters: Uncertain significance (2). Last evaluated 2026-04-22.

Conditions:
Hereditary cancer-predisposing syndrome. Also called: Hereditary neoplastic syndrome; Tumor predisposition; Hereditary Cancer Syndrome; Neoplastic Syndromes, Hereditary. Identifiers: Orphanet 140162, MedGen C0027672, MeSH D009386, MONDO:0015356.

Submissions (2):

Ambry Genetics
Classification: Uncertain significance for Hereditary cancer-predisposing syndrome. Last evaluated: 2026-04-22. Review status: criteria provided, single submitter. Criteria: Ambry Variant Classification Scheme 2023. Collection method: clinical testing. Allele origin: germline.
Comment: The p.E537Q variant (also known as c.1609G>C), located in coding exon 15 of the POLE gene, results from a G to C substitution at nucleotide position 1609. The glutamic acid at codon 537 is replaced by glutamine, an amino acid with highly similar properties. This amino acid position is highly conserved in available vertebrate species. In addition, the in silico prediction for this alteration is inconclusive. Based on the available evidence, the clinical significance of this variant remains unclear.

Labcorp Genetics (formerly Invitae), Labcorp
Classification: Uncertain significance. Last evaluated: 2025-12-06. Review status: criteria provided, single submitter. Criteria: Invitae Variant Classification Sherloc (09022015). Collection method: clinical testing. Allele origin: germline.
Comment: This sequence change replaces glutamic acid, which is acidic and polar, with glutamine, which is neutral and polar, at codon 537 of the POLE protein (p.Glu537Gln). This variant is not present in population databases (gnomAD no frequency). This variant has not been reported in the literature in individuals affected with POLE-related conditions. ClinVar contains an entry for this variant (Variation ID: 3679641). Invitae Evidence Modeling of protein sequence and biophysical properties (such as structural, functional, and spatial information, amino acid conservation, physicochemical variation, residue mobility, and thermodynamic stability) indicates that this missense variant is not expected to disrupt POLE protein function with a negative predictive value of 80%. In summary, the available evidence is currently insufficient to determine the role of this variant in disease. Therefore, it has been classified as a Variant of Uncertain Significance.

NM_006231.4(POLE):c.1609G>C (p.Glu537Gln)

Gene: POLE (DNA polymerase epsilon, catalytic subunit; minus strand). Cytogenetic location: 12q24.33.
Variant type: single nucleotide variant.
Coding change: c.1609G>C on transcript NM_006231.4 (MANE Select); coding-DNA position 1609, G replaced by C.
Protein change: p.Glu537Gln; replaces glutamic acid 537 with glutamine.
Molecular consequence: missense variant.
Genome position (GRCh38, 1-based): chr12:132,672,704, C>G on the plus strand (G>C on the coding strand, the complement: POLE is on the minus strand). VCF-style: chr12-132672704-C-G. GRCh37 (hg19) VCF-style: chr12-133249290-C-G.
Other names: c.1609G>C (NM_006231.2); short protein forms E537Q.
Identifiers: ClinVar variation 3679641 (VCV003679641.3).